The following is an entry in ClinVar:

ClinVar aggregate classification (germline): Uncertain significance (1 of 4 stars; one submission).

Conditions:
Developmental and epileptic encephalopathy, 34 (DEE34). Also called: Early infantile epileptic encephalopathy 34; SLC12A5-Related Epilepsy of Infancy with Migrating Focal Seizures. Identifiers: Orphanet 293181, MedGen C4225257, MONDO:0014718, OMIM 616645.

Allele frequency attached by ClinVar (database versions not stated): ExAC 0.00001; gnomAD exomes below 0.00001.
gnomAD v4.1: 2 of 1,613,980 alleles (0.00012%); highest among the groups gnomAD compares: East Asian, 0.0022%; no homozygotes.

Submission:

Labcorp Genetics (formerly Invitae), Labcorp
Classification: Uncertain significance for Developmental and epileptic encephalopathy, 34. Last evaluated: 2022-06-05. Review status: criteria provided, single submitter. Criteria: Invitae Variant Classification Sherloc (09022015). Collection method: clinical testing. Allele origin: germline.
Comment: Advanced modeling of protein sequence and biophysical properties (such as structural, functional, and spatial information, amino acid conservation, physicochemical variation, residue mobility, and thermodynamic stability) performed at Invitae indicates that this missense variant is not expected to disrupt SLC12A5 protein function. This sequence change replaces asparagine, which is neutral and polar, with serine, which is neutral and polar, at codon 586 of the SLC12A5 protein (p.Asn586Ser). This variant is present in population databases (rs749064755, gnomAD 0.003%). This variant has not been reported in the literature in individuals affected with SLC12A5-related conditions. ClinVar contains an entry for this variant (Variation ID: 1382250). In summary, the available evidence is currently insufficient to determine the role of this variant in disease. Therefore, it has been classified as a Variant of Uncertain Significance.

NM_020708.5(SLC12A5):c.1757A>G (p.Asn586Ser)

Gene: SLC12A5 (solute carrier family 12 member 5; plus strand). Cytogenetic location: 20q13.12.
Variant type: single nucleotide variant.
Coding change: c.1757A>G on transcript NM_020708.5 (MANE Select); coding-DNA position 1757, A replaced by G.
Protein change: p.Asn586Ser; replaces asparagine 586 with serine.
Molecular consequence: missense variant.
Genome position (GRCh38, 1-based): chr20:46,046,406, A>G. VCF-style: chr20-46046406-A-G. GRCh37 (hg19) VCF-style: chr20-44675045-A-G.
Other names: c.1826A>G, p.Asn609Ser (NM_001134771.2); short protein forms N586S, N609S.
Identifiers: ClinVar variation 1382250 (VCV001382250.4), dbSNP rs749064755, ClinGen allele CA9887421.
Genomic context (GRCh38, chr20:46,046,406, plus strand): 5'-TGATGTGCTACATGTTTGTGAATCTGGCCTGTGCAGTGCAGACGCTGCTGAGGACACCCA[A>G]CTGGAGGCCACGCTTTCGATATTACCACTGGTGGGTGCTCTGTCCCCACACTTCCACTGA-3'
Protein context (NP_065759.1, residues 576-596): CAVQTLLRTP[Asn586Ser]WRPRFRYYHW